The following is an entry in ClinVar:

ClinVar aggregate classification (germline): Uncertain significance. Review status: criteria provided, multiple submitters, no conflicts (2 of 4 stars). 2 submissions from 2 submitters: Uncertain significance (2). Last evaluated 2025-12-24.

Conditions:
Hereditary cancer-predisposing syndrome. Also called: Neoplastic Syndromes, Hereditary; Tumor predisposition; Hereditary Cancer Syndrome; Hereditary neoplastic syndrome. Identifiers: Orphanet 140162, MedGen C0027672, MeSH D009386, MONDO:0015356.
Gastrointestinal stromal tumor. Also called: Gastrointestinal stromal tumor, somatic; Gastrointestinal stroma tumor. Identifiers: Orphanet 44890, MedGen C0238198, MeSH D046152, MONDO:0011719, OMIM 606764, HP:0100723.

Allele frequency attached by ClinVar (database versions not stated): TOPMed below 0.00001.

Submissions (2):

Labcorp Genetics (formerly Invitae), Labcorp
Classification: Uncertain significance for Gastrointestinal stromal tumor. Last evaluated: 2025-12-24. Review status: criteria provided, single submitter. Criteria: Invitae Variant Classification Sherloc (09022015). Collection method: clinical testing. Allele origin: germline.
Comment: This sequence change replaces alanine, which is neutral and non-polar, with glycine, which is neutral and non-polar, at codon 191 of the PDGFRA protein (p.Ala191Gly). This variant is not present in population databases (gnomAD no frequency). This variant has not been reported in the literature in individuals affected with PDGFRA-related conditions. ClinVar contains an entry for this variant (Variation ID: 650365). Invitae Evidence Modeling of protein sequence and biophysical properties (such as structural, functional, and spatial information, amino acid conservation, physicochemical variation, residue mobility, and thermodynamic stability) indicates that this missense variant is not expected to disrupt PDGFRA protein function with a negative predictive value of 80%. In summary, the available evidence is currently insufficient to determine the role of this variant in disease. Therefore, it has been classified as a Variant of Uncertain Significance.

Ambry Genetics
Classification: Uncertain significance for Hereditary cancer-predisposing syndrome. Last evaluated: 2024-08-07. Review status: criteria provided, single submitter. Criteria: Ambry Variant Classification Scheme 2023. Collection method: clinical testing. Allele origin: germline.
Comment: The p.A191G variant (also known as c.572C>G), located in coding exon 3 of the PDGFRA gene, results from a C to G substitution at nucleotide position 572. The alanine at codon 191 is replaced by glycine, an amino acid with similar properties. This amino acid position is conserved. In addition, this alteration is predicted to be tolerated by in silico analysis. Since supporting evidence is limited at this time, the clinical significance of this alteration remains unclear.

NM_006206.6(PDGFRA):c.572C>G (p.Ala191Gly)

Gene: PDGFRA (platelet derived growth factor receptor alpha; plus strand). Cytogenetic location: 4q12.
Variant type: single nucleotide variant.
Coding change: c.572C>G on transcript NM_006206.6 (MANE Select); coding-DNA position 572, C replaced by G.
Protein change: p.Ala191Gly; replaces alanine 191 with glycine.
Molecular consequence: missense variant.
Genome position (GRCh38, 1-based): chr4:54,263,871, C>G. VCF-style: chr4-54263871-C-G. GRCh37 (hg19) VCF-style: chr4-55130038-C-G.
Other names: c.572C>G, p.Ala191Gly (NM_001347827.2, NM_001347829.2); c.647C>G, p.Ala216Gly (NM_001347828.2); c.611C>G, p.Ala204Gly (NM_001347830.2); short protein forms A204G, A191G, A216G.
Identifiers: ClinVar variation 650365 (VCV000650365.10), dbSNP rs1342445882, ClinGen allele CA356890112.